The following is an entry in ClinVar:

ClinVar aggregate classification (germline): Uncertain significance. Review status: criteria provided, multiple submitters, no conflicts (2 of 4 stars). 3 submissions from 3 submitters: Uncertain significance (3). Last evaluated 2025-01-12.

Conditions:
Hypertrophic cardiomyopathy. Also called: HYPERTROPHIC MYOCARDIOPATHY. Identifiers: Orphanet 217569, MedGen C0007194, MeSH D002312, MONDO:0005045, HP:0001639.

Allele frequency attached by ClinVar (database versions not stated): gnomAD exomes below 0.00001; TOPMed below 0.00001; ExAC 0.00001.

Submissions (3):

Labcorp Genetics (formerly Invitae), Labcorp
Classification: Uncertain significance for Hypertrophic cardiomyopathy. Last evaluated: 2025-01-12. Review status: criteria provided, single submitter. Criteria: Invitae Variant Classification Sherloc (09022015). Collection method: clinical testing. Allele origin: germline.
Comment: This sequence change replaces glycine, which is neutral and non-polar, with aspartic acid, which is acidic and polar, at codon 532 of the MYBPC3 protein (p.Gly532Asp). This variant is present in population databases (rs730880547, gnomAD 0.007%). This variant has not been reported in the literature in individuals affected with MYBPC3-related conditions. ClinVar contains an entry for this variant (Variation ID: 1408955). An algorithm developed to predict the effect of missense changes on protein structure and function (PolyPhen-2) suggests that this variant is likely to be disruptive. In summary, the available evidence is currently insufficient to determine the role of this variant in disease. Therefore, it has been classified as a Variant of Uncertain Significance.

Blueprint Genetics
Classification: Uncertain significance. Last evaluated: 2022-10-21. Review status: criteria provided, single submitter. Criteria: ACMG Guidelines, 2015. Collection method: clinical testing. Allele origin: germline.

GeneDx
Classification: Uncertain significance. Last evaluated: 2022-02-15. Review status: criteria provided, single submitter. Criteria: GeneDx Variant Classification Process June 2021. Collection method: clinical testing. Allele origin: germline. Affected: yes.
Comment: Has not been previously published as pathogenic or benign to our knowledge; Not observed at significant frequency in large population cohorts (gnomAD); In silico analysis supports that this missense variant has a deleterious effect on protein structure/function

NM_000256.3(MYBPC3):c.1595G>A (p.Gly532Asp)

Gene: MYBPC3 (myosin binding protein C3; minus strand). Cytogenetic location: 11p11.2.
Variant type: single nucleotide variant.
Coding change: c.1595G>A on transcript NM_000256.3 (MANE Select); coding-DNA position 1595, G replaced by A.
Protein change: p.Gly532Asp; replaces glycine 532 with aspartic acid.
Molecular consequence: missense variant.
Genome position (GRCh38, 1-based): chr11:47,342,607, C>T on the plus strand (G>A on the coding strand, the complement: MYBPC3 is on the minus strand). VCF-style: chr11-47342607-C-T. GRCh37 (hg19) VCF-style: chr11-47364158-C-T.
Other names: short protein forms G532D.
Identifiers: ClinVar variation 1408955 (VCV001408955.9), dbSNP rs730880547, ClinGen allele CA078192.